The following is an entry in ClinVar:

NM_031844.3(HNRNPU):c.1000G>A (p.Val334Met)

Gene: HNRNPU (heterogeneous nuclear ribonucleoprotein U; minus strand). Cytogenetic location: 1q44.
Variant type: single nucleotide variant.
Coding change: c.1000G>A on transcript NM_031844.3 (MANE Select); coding-DNA position 1000, G replaced by A.
Protein change: p.Val334Met; replaces valine 334 with methionine.
Molecular consequence: missense variant.
Genome position (GRCh38, 1-based): chr1:244,860,352, C>T on the plus strand (G>A on the coding strand, the complement: HNRNPU is on the minus strand). VCF-style: chr1-244860352-C-T. GRCh37 (hg19) VCF-style: chr1-245023654-C-T.
Other names: c.943G>A, p.Val315Met (NM_004501.3); short protein forms V315M, V334M.
Identifiers: ClinVar variation 2740075 (VCV002740075.3), dbSNP rs772372487, ClinGen allele CA1486605.

ClinVar aggregate classification (germline): Uncertain significance (1 of 4 stars; one submission).

Conditions:
Developmental and epileptic encephalopathy, 54. Also called: Epileptic encephalopathy, early infantile, 54; HNRNPU-Related Neurodevelopmental Disorder. Identifiers: MedGen C4479319, MONDO:0033363, OMIM 617391.

gnomAD v4.1: 2 of 1,608,250 alleles (0.00012%); highest among the groups gnomAD compares: East Asian, 0.0045%; no homozygotes.

Submission:

Labcorp Genetics (formerly Invitae), Labcorp
Classification: Uncertain significance for Developmental and epileptic encephalopathy, 54. Last evaluated: 2022-11-07. Review status: criteria provided, single submitter. Criteria: Invitae Variant Classification Sherloc (09022015). Collection method: clinical testing. Allele origin: germline.
Comment: In summary, the available evidence is currently insufficient to determine the role of this variant in disease. Therefore, it has been classified as a Variant of Uncertain Significance. Advanced modeling of protein sequence and biophysical properties (such as structural, functional, and spatial information, amino acid conservation, physicochemical variation, residue mobility, and thermodynamic stability) performed at Invitae indicates that this missense variant is expected to disrupt HNRNPU protein function. This variant has not been reported in the literature in individuals affected with HNRNPU-related conditions. This variant is present in population databases (rs772372487, gnomAD 0.01%). This sequence change replaces valine, which is neutral and non-polar, with methionine, which is neutral and non-polar, at codon 334 of the HNRNPU protein (p.Val334Met).